The following is an entry in ClinVar:

NC_000017.10:g.(?_19575024)_(19578895_?)del

Gene: ALDH3A2 (aldehyde dehydrogenase 3 family member A2; plus strand). Cytogenetic location: 17p11.2.
Variant type: Deletion.
Identifiers: ClinVar variation 1496873 (VCV001496873.6).

ClinVar aggregate classification (germline): Likely pathogenic (1 of 4 stars; one submission).

Submission:

Labcorp Genetics (formerly Invitae), Labcorp
Classification: Likely pathogenic. Last evaluated: 2021-06-03. Review status: criteria provided, single submitter. Criteria: Invitae Variant Classification Sherloc (09022015). Collection method: clinical testing. Allele origin: germline.
Comment: A similar copy number variant has been observed in individual(s) with Sjogren-Larsson syndrome (PMID: 21850686). This variant is a gross deletion of the genomic region encompassing exon(s) 9-10 of the ALDH3A2 gene. The 5' boundary is likely confined to intron 8. The 3' end of this event is unknown as it extends through the termination codon beyond the assayed region for this gene and may encompass additional genes. While this deletion is not anticipated to lead to nonsense mediated decay, it is expected to alter mRNA translation or result in a truncated protein product. This variant disrupts the p.Arg423 amino acid residue in ALDH3A2. Other variant(s) that disrupt this residue have been determined to be pathogenic (PMID: 10577908, 15241804). This suggests that this residue is clinically significant, and that variants that disrupt this residue are likely to be disease-causing. In summary, the currently available evidence indicates that the variant is pathogenic, but additional data are needed to prove that conclusively. Therefore, this variant has been classified as Likely Pathogenic.

Literature cited by the submitters: PubMed 21850686; PubMed 10577908; PubMed 15241804.